The following is an entry in ClinVar:

NM_020975.6(RET):c.1901G>A (p.Cys634Tyr)

Gene: RET (ret proto-oncogene; plus strand). Cytogenetic location: 10q11.21.
Variant type: single nucleotide variant.
Coding change: c.1901G>A on transcript NM_020975.6 (MANE Select); coding-DNA position 1901, G replaced by A.
Protein change: p.Cys634Tyr; replaces cysteine 634 with tyrosine.
Molecular consequence: missense variant.
Genome position (GRCh38, 1-based): chr10:43,114,501, G>A. VCF-style: chr10-43114501-G-A. GRCh37 (hg19) VCF-style: chr10-43609949-G-A.
Other names: p.C634Y:TGC>TAC; c.1901G>A, p.Cys634Tyr (NM_000323.2, NM_001406743.1, NM_001406744.1 and 4 more transcripts); c.1139G>A, p.Cys380Tyr (NM_001355216.2); c.1772G>A, p.Cys591Tyr (NM_001406761.1, NM_001406762.1, NM_001406764.1); c.1613G>A, p.Cys538Tyr (NM_001406766.1, NM_001406767.1, NM_001406770.1); c.1505G>A, p.Cys502Tyr (NM_001406769.1, NM_001406772.1); c.1463G>A, p.Cys488Tyr (NM_001406771.1, NM_001406773.1); c.875G>A, p.Cys292Tyr (NM_001406783.1, NM_001406786.1); and 8 more; short protein forms C634Y, C380Y, C292Y, C392Y, C502Y, C538Y, C239Y, C335Y.
Identifiers: ClinVar variation 13909 (VCV000013909.52), dbSNP rs75996173, ClinGen allele CA008348.

ClinVar aggregate classification (germline): Pathogenic/Likely pathogenic. Review status: criteria provided, multiple submitters, no conflicts (2 of 4 stars). 30 submissions from 29 submitters: Pathogenic (22); Likely pathogenic (1). 7 of the submissions do not count toward it. Last evaluated 2026-07-20.

Conditions:
Multiple endocrine neoplasia type 2A. Also called: MULTIPLE ENDOCRINE NEOPLASIA, TYPE IIA; PTC SYNDROME; SIPPLE SYNDROME; MEN 2A; MEN-2A syndrome; Pheochromocytoma and amyloid producing medullary thyroid carcinoma. Identifiers: Orphanet 247698, Orphanet 653, MedGen C0025268, MeSH D018813, MONDO:0008234, OMIM 171400.
Pheochromocytoma. Also called: MAX-Related Hereditary Paraganglioma-Pheochromocytoma Syndrome. Identifiers: Orphanet 29072, MedGen C0031511, MONDO:0008233, OMIM 171300, HP:0002666.
Familial medullary thyroid carcinoma (MTC). Also called: Thyroid cancer, familial medullary; MTC, familial; Familial Medullary Thyroid Carcinoma (FMTC). Identifiers: Orphanet 653, Orphanet 99361, MedGen C1833921, MONDO:0007958, OMIM 155240.
Multiple endocrine neoplasia type 2B. Also called: MEN 2B; Multiple endocrine neoplasia, type 3; MULTIPLE ENDOCRINE NEOPLASIA, TYPE IIB; MUCOSAL NEUROMA SYNDROME; NEUROMATA, MUCOSAL, WITH ENDOCRINE TUMORS; WAGENMANN-FROBOESE SYNDROME. Identifiers: Orphanet 247709, Orphanet 653, MedGen C0025269, MeSH D018814, MONDO:0008082, OMIM 162300.
Hirschsprung disease, susceptibility to, 1 (HSCR1). Also called: RET-Related Hirschsprung Disease. Identifiers: Orphanet 388, MedGen C3888239, MONDO:0007723, OMIM 142623.
RET-related disorder. Also called: RET-related condition; RET-related disease; RET-related disorders.
Hereditary cancer-predisposing syndrome. Also called: Neoplastic Syndromes, Hereditary; Tumor predisposition; Hereditary neoplastic syndrome; Hereditary Cancer Syndrome. Identifiers: Orphanet 140162, MedGen C0027672, MeSH D009386, MONDO:0015356.
Multiple endocrine neoplasia, type 2 (MEN2). Identifiers: Orphanet 653, MedGen C4048306, MONDO:0019003. Disease mechanism: gain of function.

Allele frequency attached by ClinVar (database versions not stated): TOPMed below 0.00001.
gnomAD v4.1: 2 of 1,607,760 alleles (0.00012%); highest among the groups gnomAD compares: Non-Finnish European, 0.000085%; no homozygotes.

Submissions 1 to 6 of 30:

Institute of Human Genetics, University of Leipzig Medical Center
Classification: Pathogenic for Multiple endocrine neoplasia type 2A. Last evaluated: 2026-07-20. Review status: criteria provided, single submitter. Criteria: ACMG Guidelines, 2015. Collection method: clinical testing. Allele origin: unknown. Inheritance: Autosomal dominant inheritance. Affected: yes.
Comment: Criteria applied: PS4_VSTR,PM5_STR,PP1_STR,PS3_MOD,PP3,PP4

Diller/Parad Lab, Dana-Farber/Harvard Cancer Center
Classification: Likely pathogenic for Multiple endocrine neoplasia type 2A. Last evaluated: 2026-05-29. Review status: criteria provided, single submitter. Criteria: ACMG Guidelines, 2015. Collection method: research. Allele origin: germline. Affected: yes.
Comment: It has been classified as Likely Pathogenic using Richards et al (PMID:25741868) based on the following evidence codes: PM2, PS1, PP5.

Clinical Genetics Laboratory, Skane University Hospital Lund
Classification: Pathogenic for Multiple endocrine neoplasia type 2A. Last evaluated: 2026-03-25. Review status: criteria provided, single submitter. Criteria: ACMG Guidelines, 2015. Collection method: clinical testing. Allele origin: germline. Affected: yes.
Comment: ACMG criteria used: PS3_supporting, PS4, PM1, PM2, PM5 and PP3.

Labcorp Genetics (formerly Invitae), Labcorp
Classification: Pathogenic for Multiple endocrine neoplasia, type 2. Last evaluated: 2026-02-01. Review status: criteria provided, single submitter. Criteria: Invitae Variant Classification Sherloc (09022015). Collection method: clinical testing. Allele origin: germline.
Comment: This sequence change replaces cysteine, which is neutral and slightly polar, with tyrosine, which is neutral and polar, at codon 634 of the RET protein (p.Cys634Tyr). This variant is present in population databases (rs75996173, gnomAD 0.007%). This missense change has been observed in individual(s) with multiple endocrine neoplasia type 2A and medullary thyroid cancer and pheochromocytoma (PMID: 2008030, 8099202, 12000816, 23723040). It has also been observed to segregate with disease in related individuals. ClinVar contains an entry for this variant (Variation ID: 13909). An algorithm developed to predict the effect of missense changes on protein structure and function (PolyPhen-2) suggests that this variant is likely to be tolerated. Experimental studies have shown that this missense change affects RET function (PMID: 7824936). This variant disrupts the p.Cys634 amino acid residue in RET. Other variant(s) that disrupt this residue have been determined to be pathogenic (PMID: 8099202, 12000816, 21765987). This suggests that this residue is clinically significant, and that variants that disrupt this residue are likely to be disease-causing. For these reasons, this variant has been classified as Pathogenic.

Ambry Genetics
Classification: Pathogenic for Hereditary cancer-predisposing syndrome. Last evaluated: 2025-06-16. Review status: criteria provided, single submitter. Criteria: Ambry Variant Classification Scheme 2023. Collection method: clinical testing. Allele origin: germline.
Comment: The p.C634Y pathogenic mutation (also known as c.1901G>A) is located in coding exon 11 of the RET gene. This alteration results from a G to A substitution at nucleotide position 1901. The cysteine at codon 634 is replaced by tyrosine, an amino acid with highly dissimilar properties. The p.C634Y mutation has been reported in several unrelated families diagnosed with MEN2A and/or familial medullary thyroid carcinoma (FMTC) (Mulligan et al. Nature. 1993;363:458-460; Marsh DJ et al. Genomics. 1994;23(2):477-479; Hedayati et al. J Thyroid Res. 2011;2011:264248; Sriphrapradang C et al. Clin Med Insights Endocrinol Diabetes. 2017 Apr;10:1179551417705122). Amino acid position 634 is a well described mutation hot spot associated with MEN2A/FMTC. Studies evaluating genotype-phenotype correlation suggest higher penetrance for pheochromocytoma in MEN2 patients with mutations at amino acid position 634 (Neumann HP et al. N. Engl. J. Med. 2002;346:1459-66, Quayle FJ et al. Surgery 2007;142:800-5; Yip L et al. Arch Surg 2003;138:409-16). Revised American Thyroid Association Guidelines categorize the p.C634Y alteration as high risk (ATA-H) and recommend surveillance and prophylactic surgery in early childhood (Wells SA et al. Thyroid 2015 Jun;25(6):567-610). Of note, this alteration has been referred to as p.C380Y (c.1832G>A) and p.C634Y (c.2096G>A) in the published literature. Based on the available evidence, p.C634Y is classified as a pathogenic mutation.

ARUP Laboratories, Molecular Genetics and Genomics, ARUP Laboratories
Classification: Pathogenic. Last evaluated: 2025-04-13. Review status: criteria provided, single submitter. Criteria: ARUP Molecular Germline Variant Investigation Process 2024. Collection method: clinical testing. Allele origin: germline.
Comment: The RET c.1901G>A;p.Cys634Tyr variant (rs75996173) is reported in the literature in multiple individuals and families with multiple endocrine neoplasia type 2 (MEN2) and familial medullary thyroid carcinoma (American Thyroid Association Guidelines Task Force 2009, Punales 2003, Wells 2015). This variant is found on a single chromosome in the Genome Aggregation Database (1/247574 alleles), indicating it is not a common polymorphism. The cysteine at codon 634 is highly conserved, and other amino acid substitutions at this codon (Arg, Gly, Phe, Ser, Trp) are considered causative for MEN2A (Wells 2015). Functional characterization of the p.Cys364Tyr variant and other missense variants at the same codon (p.Cys634Arg, p.Cys634Trp) indicates increased auto-phosphorylation and activation of downstream targets (Santoro 1995), resulting in enhanced malignant transformation of cells (Cosci 2011, Santoro 1995). Based on available information, the p.Cys634Tyr variant is considered to be pathogenic. References: American Thyroid Association Guidelines Task Force et al. Medullary thyroid cancer: management guidelines of the American Thyroid Association. Thyroid. 2009 Jun;19(6):565-612. PMID: 19469690. Cosci B et al. In silico and in vitro analysis of rare germline allelic variants of RET oncogene associated with medullary thyroid cancer. Endocr Relat Cancer. 2011 Sep 20;18(5):603-12. PMID: 21810974. Punales MK et al. RET codon 634 mutations in multiple endocrine neoplasia type 2: variable clinical features and clinical outcome. J Clin Endocrinol Metab. 2003 Jun;88(6):2644-9. PMID: 12788868. Santoro M et al. Activation of RET as a dominant transforming gene by germline mutations of MEN2A and MEN2B. Science. 1995 Jan 20;267(5196):381-3. PMID: 7824936. Wells S et al. Revised American Thyroid Association Guidelines for the Management of Medullary Thyroid Carcinoma. Thyroid. 2015; 25(6):567-610. PMID: 25810047.